The following is an entry in ClinVar:

ClinVar aggregate classification (germline): Uncertain significance (1 of 4 stars; one submission).

Conditions:
Tumor predisposition syndrome 3 (TPDS3). Also called: Glioma susceptibility 9; LONG TELOMERE SYNDROME, POT1-RELATED; POT1 Tumor Predisposition; Melanoma, cutaneous malignant, susceptibility to, 10. Identifiers: Orphanet 618, MedGen C4014476, MONDO:0014368, OMIM 615848.

Submission:

Labcorp Genetics (formerly Invitae), Labcorp
Classification: Uncertain significance for Tumor predisposition syndrome 3. Last evaluated: 2025-01-22. Review status: criteria provided, single submitter. Criteria: Invitae Variant Classification Sherloc (09022015). Collection method: clinical testing. Allele origin: germline.
Comment: This sequence change replaces tryptophan, which is neutral and slightly polar, with serine, which is neutral and polar, at codon 424 of the POT1 protein (p.Trp424Ser). This variant is not present in population databases (gnomAD no frequency). This variant has not been reported in the literature in individuals affected with POT1-related conditions. Invitae Evidence Modeling of protein sequence and biophysical properties (such as structural, functional, and spatial information, amino acid conservation, physicochemical variation, residue mobility, and thermodynamic stability) indicates that this missense variant is not expected to disrupt POT1 protein function with a negative predictive value of 80%. In summary, the available evidence is currently insufficient to determine the role of this variant in disease. Therefore, it has been classified as a Variant of Uncertain Significance.

NM_015450.3(POT1):c.1271G>C (p.Trp424Ser)

Gene: POT1 (protection of telomeres 1; minus strand). Cytogenetic location: 7q31.33.
Variant type: single nucleotide variant.
Coding change: c.1271G>C on transcript NM_015450.3 (MANE Select); coding-DNA position 1271, G replaced by C.
Protein change: p.Trp424Ser; replaces tryptophan 424 with serine.
Molecular consequence: missense variant. On other transcripts: non-coding transcript variant (3).
Genome position (GRCh38, 1-based): chr7:124,841,071, C>G on the plus strand (G>C on the coding strand, the complement: POT1 is on the minus strand). VCF-style: chr7-124841071-C-G. GRCh37 (hg19) VCF-style: chr7-124481125-C-G.
Other names: c.878G>C, p.Trp293Ser (NM_001042594.2); short protein forms W293S, W424S.
Identifiers: ClinVar variation 3665768 (VCV003665768.2).